The following is an entry in ClinVar:

NM_005562.3(LAMC2):c.2838_2839insATAAGAGACA (p.Glu947fs)

Gene: LAMC2 (laminin subunit gamma 2; plus strand). Cytogenetic location: 1q25.3.
Variant type: Insertion.
Coding change: c.2838_2839insATAAGAGACA on transcript NM_005562.3 (MANE Select); coding-DNA positions 2838 to 2839, ATAAGAGACA inserted.
Protein change: p.Glu947fs; shifts the reading frame from glutamic acid 947.
Molecular consequence: frameshift variant.
Genome position: GRCh38 VCF-style: chr1-183238390-T-TATAAGAGACA. GRCh37 (hg19) VCF-style: chr1-183207525-T-TATAAGAGACA.
Other names: c.2838_2839insATAAGAGACA, p.Glu947fs (NM_018891.3); short protein forms E947fs.
Identifiers: ClinVar variation 5011432 (VCV005011432.1).

ClinVar aggregate classification (germline): Pathogenic (1 of 4 stars; one submission).

Conditions:
Junctional epidermolysis bullosa. Identifiers: Orphanet 305, MedGen C0079301, MONDO:0017612.

Submission:

Myriad Genetics, Inc.
Classification: Pathogenic for Junctional epidermolysis bullosa. Last evaluated: 2023-08-21. Review status: criteria provided, single submitter. Criteria: Myriad Autosomal Dominant, Autosomal Recessive and X-Linked Classification Criteria (2023). Collection method: clinical testing. Allele origin: unknown.
Comment: NM_005562.2(LAMC2):c.2838_2839ins10(E947Ifs*6) is expected to be pathogenic in the context of junctional epidermolysis bullosa, LAMC2-related. This variant is predicted to lead to an abnormal or absent protein product due to the creation of a premature termination codon in LAMC2, a gene where loss-of-function variants are known to be pathogenic. Please note: this variant was assessed in the context of healthy population screening.